The following is an entry in ClinVar:

ClinVar aggregate classification (germline): Benign. Review status: criteria provided, multiple submitters, no conflicts (2 of 4 stars). 2 submissions from 2 submitters: Benign (2). Last evaluated 2018-06-14.

Allele frequency attached by ClinVar (database versions not stated): gnomAD exomes 0.00248; gnomAD 0.02570 and 0.02755; 1000 Genomes Project 0.02855; TOPMed 0.02911; 1000 Genomes Project 30x 0.03232.
gnomAD v4.1: 7,533 of 1,552,606 alleles (0.49%); highest among the groups gnomAD compares: African/African-American, 9%; 307 homozygotes.

Submissions (2):

GeneDx
Classification: Benign. Last evaluated: 2018-06-14. Review status: criteria provided, single submitter. Criteria: GeneDx Variant Classification (06012015). Collection method: clinical testing. Allele origin: germline. Affected: yes.
Comment: This variant is considered likely benign or benign based on one or more of the following criteria: it is a conservative change, it occurs at a poorly conserved position in the protein, it is predicted to be benign by multiple in silico algorithms, and/or has population frequency not consistent with disease.

Breakthrough Genomics
Classification: Benign. Review status: criteria provided, single submitter. Criteria: ACMG Guidelines, 2015. Collection method: not provided. Allele origin: germline. Inheritance: Autosomal dominant inheritance. Affected: yes.

NM_001083962.2(TCF4):c.550-101G>A

Gene: TCF4 (transcription factor 4; minus strand). Cytogenetic location: 18q21.2.
Variant type: single nucleotide variant.
Coding change: c.550-101G>A on transcript NM_001083962.2 (MANE Select); 101 bases into the intron before coding-DNA position 550, G replaced by A.
Molecular consequence: intron variant.
Genome position (GRCh38, 1-based): chr18:55,279,757, C>T on the plus strand (G>A on the coding strand, the complement: TCF4 is on the minus strand). VCF-style: chr18-55279757-C-T. GRCh37 (hg19) VCF-style: chr18-52946988-C-T.
Other names: c.856-101G>A (NM_001243226.3); c.475-101G>A (NM_001369584.1, NM_001369576.1, NM_001369585.1 and 3 more transcripts); c.478-101G>A (NM_001369577.1, NM_001369582.1, NM_001243227.2 and 9 more transcripts); c.550-101G>A (NM_001369571.1, NM_001369567.1, NM_001369572.1 and 4 more transcripts); c.550-83G>A (NM_001243228.2); c.544-101G>A (NM_001243230.2); c.547-101G>A (NM_001369569.1, NM_001369573.1, NM_001369570.1); c.424-101G>A (NM_001243231.2, NM_001348211.2); and 4 more.
Identifiers: ClinVar variation 677003 (VCV000677003.2), dbSNP rs57421596, ClinGen allele CA301118431.